The following is an entry in ClinVar:

ClinVar aggregate classification (germline): Uncertain significance (1 of 4 stars; one submission).

Conditions:
Hereditary cancer-predisposing syndrome. Also called: Hereditary Cancer Syndrome; Hereditary neoplastic syndrome; Tumor predisposition; Neoplastic Syndromes, Hereditary. Identifiers: Orphanet 140162, MedGen C0027672, MeSH D009386, MONDO:0015356.

Submission:

Ambry Genetics
Classification: Uncertain significance for Hereditary cancer-predisposing syndrome. Last evaluated: 2024-07-24. Review status: criteria provided, single submitter. Criteria: Ambry Variant Classification Scheme 2023. Collection method: clinical testing. Allele origin: germline.
Comment: The p.H1475Q variant (also known as c.4425C>G), located in coding exon 29 of the ALK gene, results from a C to G substitution at nucleotide position 4425. The histidine at codon 1475 is replaced by glutamine, an amino acid with highly similar properties. This amino acid position is conserved. In addition, this alteration is predicted to be tolerated by in silico analysis. Based on the available evidence, the clinical significance of this variant remains unclear.

NM_004304.5(ALK):c.4425C>G (p.His1475Gln)

Gene: ALK (ALK receptor tyrosine kinase; minus strand). Cytogenetic location: 2p23.2.
Variant type: single nucleotide variant.
Coding change: c.4425C>G on transcript NM_004304.5 (MANE Select); coding-DNA position 4425, C replaced by G.
Protein change: p.His1475Gln; replaces histidine 1475 with glutamine.
Molecular consequence: missense variant.
Genome position (GRCh38, 1-based): chr2:29,193,662, G>C on the plus strand (C>G on the coding strand, the complement: ALK is on the minus strand). VCF-style: chr2-29193662-G-C. GRCh37 (hg19) VCF-style: chr2-29416528-G-C.
Other names: c.1221C>G, p.His407Gln (NM_001353765.2); short protein forms H1475Q, H407Q.
Identifiers: ClinVar variation 3524178 (VCV003524178.1).
Genomic context (GRCh38, chr2:29,193,662, plus strand): 5'-GGATCCGTGGACCTTGTGCAACTCCGAAGGAGGGTTGGACTGAGAGAATGCCATATTCAC[G>C]TGTCCCCCTTCCACGGCCGGCCCTCTAGGGACTCGAACAGAGATCTCTGCAGCTGTGGGT-3'
Protein context (NP_004295.2, residues 1465-1485): VPRGPAVEGG[His1475Gln]VNMAFSQSNP